The following is an entry in ClinVar:

NM_000337.6(SGCD):c.654_655del (p.Glu218fs)

Gene: SGCD (sarcoglycan delta; plus strand). Cytogenetic location: 5q33.3.
Variant type: Deletion.
Coding change: c.654_655del on transcript NM_000337.6 (MANE Select); coding-DNA positions 654 to 655, 2 bases deleted (AG; older notation c.654_655delAG).
Protein change: p.Glu218fs; shifts the reading frame from glutamic acid 218.
Molecular consequence: frameshift variant.
Genome position (GRCh38, 1-based): chr5:156,757,659-156,757,660, AG deleted. VCF-style (leftmost placement, unchanged base first): chr5-156757658-AAG-A. GRCh37 (hg19) VCF-style: chr5-156184669-AAG-A.
Other names: c.651_652del, p.Glu217fs (NM_001128209.2); c.654_655del, p.Glu218fs (NM_172244.3); short protein forms E217fs, E218fs.
Identifiers: ClinVar variation 2816447 (VCV002816447.3), dbSNP rs2480201084, ClinGen allele CA2676179131.

ClinVar aggregate classification (germline): Pathogenic (1 of 4 stars; one submission).

Conditions:
Autosomal recessive limb-girdle muscular dystrophy type 2F (LGMDR6). Also called: Muscular dystrophy limb-girdle with delta-sarcoglyan deficiency; MUSCULAR DYSTROPHY, LIMB-GIRDLE, AUTOSOMAL RECESSIVE 6. Identifiers: Orphanet 219, MedGen C1832525, MONDO:0011028, OMIM 601287. Disease mechanism: Affects gamma-sarcoglycan and also disrupts the integrity of the entire sarcoglycan complex..

Allele frequency attached by ClinVar (database versions not stated): gnomAD exomes below 0.00001.

Submission:

Labcorp Genetics (formerly Invitae), Labcorp
Classification: Pathogenic for Autosomal recessive limb-girdle muscular dystrophy type 2F. Last evaluated: 2022-11-24. Review status: criteria provided, single submitter. Criteria: Invitae Variant Classification Sherloc (09022015). Collection method: clinical testing. Allele origin: germline.
Comment: This sequence change creates a premature translational stop signal (p.Glu218Aspfs*17) in the SGCD gene. While this is not anticipated to result in nonsense mediated decay, it is expected to disrupt the last 73 amino acid(s) of the SGCD protein. This variant is not present in population databases (gnomAD no frequency). This variant has not been reported in the literature in individuals affected with SGCD-related conditions. This variant disrupts a region of the SGCD protein in which other variant(s) (p.Thr220Profs*6) have been determined to be pathogenic (PMID: 8841194). This suggests that this is a clinically significant region of the protein, and that variants that disrupt it are likely to be disease-causing. For these reasons, this variant has been classified as Pathogenic.

Literature cited by the submitters: PubMed 8841194.